The following is an entry in ClinVar:

NM_001130969.3(NSMF):c.458C>T (p.Pro153Leu)

Gene: NSMF (NMDA receptor synaptonuclear signaling and neuronal migration factor; minus strand). Cytogenetic location: 9q34.3.
Variant type: single nucleotide variant.
Coding change: c.458C>T on transcript NM_001130969.3 (MANE Select); coding-DNA position 458, C replaced by T.
Protein change: p.Pro153Leu; replaces proline 153 with leucine.
Molecular consequence: missense variant.
Genome position (GRCh38, 1-based): chr9:137,457,577, G>A on the plus strand (C>T on the coding strand, the complement: NSMF is on the minus strand). VCF-style: chr9-137457577-G-A. GRCh37 (hg19) VCF-style: chr9-140352029-G-A.
Other names: c.458C>T, p.Pro153Leu (NM_001130970.2, NM_001130971.2, NM_001178064.2 and 1 more transcripts); short protein forms P153L.
Identifiers: ClinVar variation 3377862 (VCV003377862.1).
Genomic context (GRCh38, chr9:137,457,577, plus strand): 5'-AGCTGGGCACATCCGGGGCACTCCTTGGAGCCCTGGCGGCTGCCCGCCCAGCTCTGGCAG[G>A]GCCTGCTGACGTCCTCCCGGCTGCCACCAGGGCTGGCGCGCAGGGGCTGGCTGTGATGGT-3'
Protein context (NP_001124441.1, residues 143-163): PGGSREDVSR[Pro153Leu]CQSWAGSRQG

ClinVar aggregate classification (germline): Uncertain significance (1 of 4 stars; one submission).

gnomAD v4.1: 1 of 1,572,972 alleles (0.000064%); highest among the groups gnomAD compares: East Asian, 0.0024%; no homozygotes.

Submission:

GeneDx
Classification: Uncertain significance. Last evaluated: 2024-05-17. Review status: criteria provided, single submitter. Criteria: GeneDx Variant Classification Process June 2021. Collection method: clinical testing. Allele origin: germline. Affected: yes.
Comment: Not observed at significant frequency in large population cohorts (gnomAD); In silico analysis indicates that this missense variant does not alter protein structure/function; Has not been previously published as pathogenic or benign to our knowledge